The following is an entry in ClinVar:

NM_173660.5(DOK7):c.1379A>G (p.Gln460Arg)

Gene: DOK7 (docking protein 7; plus strand). Cytogenetic location: 4p16.3.
Variant type: single nucleotide variant.
Coding change: c.1379A>G on transcript NM_173660.5 (MANE Select); coding-DNA position 1379, A replaced by G.
Protein change: p.Gln460Arg; replaces glutamine 460 with arginine.
Molecular consequence: missense variant. On other transcripts: 3 prime UTR variant (1).
Genome position (GRCh38, 1-based): chr4:3,493,365, A>G. VCF-style: chr4-3493365-A-G. GRCh37 (hg19) VCF-style: chr4-3495092-A-G.
Other names: c.1379A>G (NM_173660.4); c.*600A>G (NM_001164673.2); c.449A>G, p.Gln150Arg (NM_001256896.2); c.1379A>G, p.Gln460Arg (NM_001301071.2); c.947A>G, p.Gln316Arg (NM_001363811.2); short protein forms Q316R, Q460R, Q150R.
Identifiers: ClinVar variation 1382078 (VCV001382078.6), dbSNP rs898026035, ClinGen allele CA91557547.

ClinVar aggregate classification (germline): Uncertain significance. Review status: criteria provided, multiple submitters, no conflicts (2 of 4 stars). 2 submissions from 2 submitters: Uncertain significance (2). Last evaluated 2024-11-24.

Conditions:
Inborn genetic diseases. Identifiers: MedGen C0950123, MeSH D030342.
Fetal akinesia deformation sequence 1 (FADS1). Also called: Fetal akinesia sequence; Pena-Shokeir syndrome type I. Identifiers: Orphanet 994, MedGen C1276035, MONDO:0100101, OMIM 208150, HP:0001989.
Congenital myasthenic syndrome 10. Also called: Myasthenia, limb-girdle, familial. Identifiers: Orphanet 590, MedGen C1850792, MONDO:0009690, OMIM 254300.

Allele frequency attached by ClinVar (database versions not stated): gnomAD 0.00001; gnomAD exomes 0.00001; TOPMed 0.00001.
gnomAD v4.1: 15 of 1,596,874 alleles (0.00094%); highest among the groups gnomAD compares: African/African-American, 0.0027%; no homozygotes.

Submissions (2):

Ambry Genetics
Classification: Uncertain significance for Inborn genetic diseases. Last evaluated: 2024-11-24. Review status: criteria provided, single submitter. Criteria: Ambry Variant Classification Scheme 2023. Collection method: clinical testing. Allele origin: germline.

Labcorp Genetics (formerly Invitae), Labcorp
Classification: Uncertain significance for Congenital myasthenic syndrome 10; Fetal akinesia deformation sequence 1. Last evaluated: 2021-08-28. Review status: criteria provided, single submitter. Criteria: Invitae Variant Classification Sherloc (09022015). Collection method: clinical testing. Allele origin: germline.
Comment: This sequence change replaces glutamine with arginine at codon 460 of the DOK7 protein (p.Gln460Arg). The glutamine residue is weakly conserved and there is a small physicochemical difference between glutamine and arginine. This variant is not present in population databases (ExAC no frequency). This variant has not been reported in the literature in individuals affected with DOK7-related conditions. Algorithms developed to predict the effect of missense changes on protein structure and function are either unavailable or do not agree on the potential impact of this missense change (SIFT: "Deleterious"; PolyPhen-2: "Benign"; Align-GVGD: "Class C0"). In summary, the available evidence is currently insufficient to determine the role of this variant in disease. Therefore, it has been classified as a Variant of Uncertain Significance.